The following is an entry in ClinVar:

ClinVar aggregate classification (germline): Benign/Likely benign. Review status: criteria provided, multiple submitters, no conflicts (2 of 4 stars). 3 submissions from 3 submitters: Benign (2); Likely benign (1). Last evaluated 2026-08-01.

Allele frequency attached by ClinVar (database versions not stated): TOPMed 0.00043; ExAC 0.00067; gnomAD exomes 0.00089 and 0.00018; gnomAD 0.00012; 1000 Genomes Project 0.00020; 1000 Genomes Project 30x 0.00031.
gnomAD v4.1: 268 of 1,614,142 alleles (0.017%); highest among the groups gnomAD compares: Admixed American, 0.44%; 4 homozygotes.

Submissions (3):

CeGaT Center for Human Genetics Tuebingen
Classification: Likely benign. Last evaluated: 2026-08-01. Review status: criteria provided, single submitter. Criteria: CeGaT Center For Human Genetics Tuebingen Variant Classification Criteria Version 2. Collection method: clinical testing. Allele origin: germline. Affected: yes. Observed: 1 variant allele.
Comment: COMT: BP4, BP7

Labcorp Genetics (formerly Invitae), Labcorp
Classification: Benign. Last evaluated: 2018-07-02. Review status: criteria provided, single submitter. Criteria: Invitae Variant Classification Sherloc (09022015). Collection method: clinical testing. Allele origin: germline.

Breakthrough Genomics
Classification: Benign. Review status: criteria provided, single submitter. Criteria: ACMG Guidelines, 2015. Collection method: not provided. Allele origin: germline. Inheritance: Autosomal dominant inheritance. Affected: yes.

NM_000754.4(COMT):c.510G>A (p.Gln170=)

Gene: COMT (catechol-O-methyltransferase; plus strand). Cytogenetic location: 22q11.21.
Variant type: single nucleotide variant.
Coding change: c.510G>A on transcript NM_000754.4 (MANE Select); coding-DNA position 510, G replaced by A.
Protein change: p.Gln170=; no amino-acid change (glutamine 170 retained).
Molecular consequence: synonymous variant.
Genome position (GRCh38, 1-based): chr22:19,964,194, G>A. VCF-style: chr22-19964194-G-A. GRCh37 (hg19) VCF-style: chr22-19951717-G-A.
Other names: c.510G>A, p.Gln170= (NM_001135161.2, NM_001135162.2, NM_001362828.2); c.360G>A, p.Gln120= (NM_007310.3).
Identifiers: ClinVar variation 747102 (VCV000747102.5), dbSNP rs79048885, ClinGen allele CA10104636.